The following is an entry in ClinVar:

ClinVar aggregate classification (germline): Uncertain significance. Review status: criteria provided, multiple submitters, no conflicts (2 of 4 stars). 2 submissions from 2 submitters: Uncertain significance (2). Last evaluated 2024-04-17.

Conditions:
Familial thoracic aortic aneurysm and aortic dissection (TAAD). Also called: Thoracic aortic aneurysms and dissections. Identifiers: Orphanet 91387, MedGen C4707243, MONDO:0019625.
Aortic aneurysm, familial thoracic 4 (AAT4). Also called: AORTIC ANEURYSM/AORTIC DISSECTION AND PATENT DUCTUS ARTERIOSUS. Identifiers: MedGen C1851504, MONDO:0007568, OMIM 132900.

Submissions (2):

Labcorp Genetics (formerly Invitae), Labcorp
Classification: Uncertain significance for Aortic aneurysm, familial thoracic 4. Last evaluated: 2024-04-17. Review status: criteria provided, single submitter. Criteria: Invitae Variant Classification Sherloc (09022015). Collection method: clinical testing. Allele origin: germline.
Comment: This sequence change replaces lysine, which is basic and polar, with glutamic acid, which is acidic and polar, at codon 1231 of the MYH11 protein (p.Lys1231Glu). This variant is not present in population databases (gnomAD no frequency). This variant has not been reported in the literature in individuals affected with MYH11-related conditions. Advanced modeling of protein sequence and biophysical properties (such as structural, functional, and spatial information, amino acid conservation, physicochemical variation, residue mobility, and thermodynamic stability) performed at Invitae indicates that this missense variant is not expected to disrupt MYH11 protein function with a negative predictive value of 95%. In summary, the available evidence is currently insufficient to determine the role of this variant in disease. Therefore, it has been classified as a Variant of Uncertain Significance.

All of Us Research Program, National Institutes of Health
Classification: Uncertain significance for Familial thoracic aortic aneurysm and aortic dissection. Last evaluated: 2024-03-05. Review status: criteria provided, single submitter. Criteria: ACMG Guidelines, 2015. Collection method: clinical testing. Allele origin: germline. Inheritance: Autosomal dominant inheritance. Observed: 1 variant allele, 1 heterozygote.
Comment: This study involves interpretation of variants in research participants for the purpose of population health screening. Participant phenotype was not available at the time of variant classification. Additional details can be found in publication PMID: 35346344, PMCID: PMC8962531

NM_002474.3(MYH11):c.3670A>G (p.Lys1224Glu)

Gene: MYH11 (myosin heavy chain 11; minus strand). Cytogenetic location: 16p13.11.
Variant type: single nucleotide variant.
Coding change: c.3670A>G on transcript NM_002474.3 (MANE Select); coding-DNA position 3670, A replaced by G.
Protein change: p.Lys1224Glu; replaces lysine 1224 with glutamic acid.
Molecular consequence: missense variant.
Genome position (GRCh38, 1-based): chr16:15,727,036, T>C on the plus strand (A>G on the coding strand, the complement: MYH11 is on the minus strand). VCF-style: chr16-15727036-T-C. GRCh37 (hg19) VCF-style: chr16-15820893-T-C.
Other names: c.3691A>G, p.Lys1231Glu (NM_001040113.2, NM_001040114.2); c.3670A>G, p.Lys1224Glu (NM_022844.3); short protein forms K1224E, K1231E.
Identifiers: ClinVar variation 2962927 (VCV002962927.4), dbSNP rs2506156634, ClinGen allele CA394860306.
Genomic context (GRCh38, chr16:15,727,036, plus strand): 5'-CCAGGACCCGCAGCTCCCCGGCCAGGTCTGCGTTCTCTTTCTCCAGCGTCTGCTTATTCT[T>C]GTCTAGGTTCGCCTTGGCCTGGCGAAGGAAGCAGAGGGGAGGGATAACAGGGAGGCTGTG-3'
Protein context (NP_002465.1, residues 1214-1234): QFKRAKANLD[Lys1224Glu]NKQTLEKENA